The following is an entry in ClinVar:

NM_000053.4(ATP7B):c.3301G>A (p.Gly1101Arg)

Gene: ATP7B (ATPase copper transporting beta; minus strand). Cytogenetic location: 13q14.3.
Variant type: single nucleotide variant.
Coding change: c.3301G>A on transcript NM_000053.4 (MANE Select); coding-DNA position 3301, G replaced by A.
Protein change: p.Gly1101Arg; replaces glycine 1101 with arginine.
Molecular consequence: missense variant.
Genome position (GRCh38, 1-based): chr13:51,942,497, C>T on the plus strand (G>A on the coding strand, the complement: ATP7B is on the minus strand). VCF-style: chr13-51942497-C-T. GRCh37 (hg19) VCF-style: chr13-52516633-C-T.
Other names: c.2680G>A, p.Gly894Arg (NM_001005918.3); c.2968G>A, p.Gly990Arg (NM_001243182.2); c.3067G>A, p.Gly1023Arg (NM_001330578.2); c.3049G>A, p.Gly1017Arg (NM_001330579.2); c.[3301G>A] (NM_000053.3); short protein forms G1101R, G1017R, G1023R, G894R, G990R.
Identifiers: ClinVar variation 188808 (VCV000188808.46), dbSNP rs786204483, ClinGen allele CA273987.

ClinVar aggregate classification (germline): Pathogenic/Likely pathogenic. Review status: criteria provided, multiple submitters, no conflicts (2 of 4 stars). 12 submissions from 12 submitters: Pathogenic (9); Likely pathogenic (2). 1 of the submissions does not count toward it. Last evaluated 2026-01-26.

Conditions:
Wilson disease (WND). Also called: Wilson's disease. Identifiers: Orphanet 905, MedGen C0019202, MONDO:0010200, OMIM 277900. Disease mechanism: loss of function.

Allele frequency attached by ClinVar (database versions not stated): gnomAD exomes below 0.00001.

Submissions (12):

Labcorp Genetics (formerly Invitae), Labcorp
Classification: Pathogenic for Wilson disease. Last evaluated: 2026-01-26. Review status: criteria provided, single submitter. Criteria: Invitae Variant Classification Sherloc (09022015). Collection method: clinical testing. Allele origin: germline.
Comment: This sequence change replaces glycine, which is neutral and non-polar, with arginine, which is basic and polar, at codon 1101 of the ATP7B protein (p.Gly1101Arg). This variant is present in population databases (rs786204483, gnomAD 0.003%). This missense change has been observed in individual(s) with Wilson disease (PMID: 7626145, 23551039, 31059521). ClinVar contains an entry for this variant (Variation ID: 188808). Invitae Evidence Modeling of protein sequence and biophysical properties (such as structural, functional, and spatial information, amino acid conservation, physicochemical variation, residue mobility, and thermodynamic stability) indicates that this missense variant is expected to disrupt ATP7B protein function with a positive predictive value of 80%. Experimental studies have shown that this missense change affects ATP7B function (PMID: 20333758). For these reasons, this variant has been classified as Pathogenic.

Natera, Inc.
Classification: Pathogenic for Wilson disease. Last evaluated: 2025-11-26. Review status: criteria provided, single submitter. Criteria: Natera Variant Classification Schema (03/2026). Collection method: clinical testing. Allele origin: germline.
Comment: The c.3301G>A variant in ATP7B is a missense variant predicted to cause substitution of glycine to arginine at amino acid 1101. This variant is rare in the general population with a frequency below the threshold expected for the associated phenotype(s). This variant has been observed in one or more individuals affected with the associated recessive disease, as either homozygous or compound heterozygous with a second variant (PMID: 39535360, 23551039, 36096368, 24094725). Functional studies show that this variant may disrupt protein function (PMID: 32778786). Computational prediction algorithms indicate this variant is likely to affect gene or protein function. Given the available evidence, this variant is classified as Pathogenic.

3billion
Classification: Pathogenic for Wilson disease. Last evaluated: 2024-12-30. Review status: criteria provided, single submitter. Criteria: ACMG Guidelines, 2015. Collection method: clinical testing. Allele origin: germline. Affected: yes.
Comment: The variant is observed at an extremely low frequency in the gnomAD v4.1.0 dataset (total allele frequency: <0.001%). Predicted Consequence/Location: Missense variant. The majority of the known disease-causing variants of this gene are variants expected to result in premature termination of the protein. Functional studies provide strong evidence of the variant having a damaging effect on the gene or gene product (PMID: 20333758). In silico tool predictions suggest damaging effect of the variant on gene or gene product [REVEL: 0.98 (>=0.6, sensitivity 0.68 and specificity 0.92); 3Cnet: 0.97 (>=0.6, sensitivity 0.72 and precision 0.9)]. The same nucleotide change resulting in the same amino acid change has been previously reported as pathogenic/likely pathogenic with strong evidence (ClinVar ID: VCV000188808 /PMID: 7626145). The variant has been reported to be in trans with a pathogenic variant as either compound heterozygous or homozygous in at least one similarly affected unrelated individual (PMID: 31059521). Therefore, this variant is classified as Pathogenic according to the recommendation of ACMG/AMP guideline.

Fulgent Genetics
Classification: Pathogenic for Wilson disease. Last evaluated: 2024-06-12. Review status: criteria provided, single submitter. Criteria: ACMG Guidelines, 2015. Collection method: clinical testing. Allele origin: germline.

Baylor Genetics
Classification: Pathogenic for Wilson disease. Last evaluated: 2024-02-29. Review status: criteria provided, single submitter. Criteria: ACMG Guidelines, 2015. Collection method: clinical testing. Allele origin: unknown.

Revvity Omics, Revvity
Classification: Pathogenic for Wilson disease. Last evaluated: 2023-09-23. Review status: criteria provided, single submitter. Criteria: ACMG Guidelines, 2015. Collection method: clinical testing. Allele origin: germline.

Neuberg Centre For Genomic Medicine, NCGM
Classification: Pathogenic for Wilson disease. Last evaluated: 2023-05-20. Review status: criteria provided, single submitter. Criteria: ACMG Guidelines, 2015. Collection method: clinical testing. Allele origin: germline. Inheritance: Autosomal recessive inheritance. Affected: yes.
Comment: The observed missense c.3301G>A(p.Gly1101Arg) variant in ATP7B gene has been reported previously in homozygous state in multiple individuals affected with Wilson disease (Singh N, et al., 2019; Aggarwal A, et al., 2013). Experimental studies have shown that this missense change affects ATP7B function (Luoma LM, et al., 2010). The p.Gly1101Arg variant has been reported with allele frequency of 0.0004% in gnomAD Exomes. This variant has been submitted to the ClinVar database as Likely Pathogenic / Pathogenic. The amino acid change p.Gly1101Arg in ATP7B is predicted as conserved by GERP++ and PhyloP across 100 vertebrates. The amino acid Gly at position 1101 is changed to a Arg changing protein sequence and it might alter its composition and physico-chemical properties. Multiple lines of computational evidences (Polyphen - Probably damaging , SIFT - Damaging and MutationTaster - Disease causing) predict a damaging effect on protein structure and function for this variant. For these reasons, this variant has been classified as Pathogenic.

Genome-Nilou Lab
Classification: Likely pathogenic for Wilson disease. Last evaluated: 2021-08-10. Review status: criteria provided, single submitter. Criteria: ACMG Guidelines, 2015. Collection method: clinical testing. Allele origin: germline. Affected: no.

ARUP Laboratories, Molecular Genetics and Genomics, ARUP Laboratories
Classification: Likely pathogenic for Wilson disease. Last evaluated: 2019-04-06. Review status: criteria provided, single submitter. Criteria: ARUP Molecular Germline Variant Investigation Process. Collection method: clinical testing. Allele origin: germline.
Comment: The ATP7B c.3301G>A; p.Gly1101Arg variant (rs786204483) is reported in two individuals with Wilson disease who are homozygous for the variant (reported as G1102R in Thomas 1995). Functional assays show the variant protein is unable to complement ccc2 function under low iron conditions, supportive of it being deleterious. (Luoma 2010). This variant is reported in ClinVar (Variation ID: 188808). It is only observed on one allele in the Genome Aggregation Database, indicating it is not a common polymorphism. The glycine at codon 1101 is highly conserved, and computational analyses (SIFT, PolyPhen-2) predict that this variant is deleterious. Based on available information, this variant is considered to be likely pathogenic. REFERENCES Luoma LM et al. Functional analysis of mutations in the ATP loop of the Wilson disease copper transporter, ATP7B. Hum Mutat. 2010 May;31(5):569-77. Thomas GR et al. The Wilson disease gene: spectrum of mutations and their consequences. Nat Genet. 1995 Feb;9(2):210-7.

Arcensus
Classification: Pathogenic for Wilson disease. Last evaluated: 2013-02-01. Review status: criteria provided, single submitter. Criteria: ACMG Guidelines, 2015. Collection method: clinical testing. Allele origin: germline. Affected: yes.

CENTOGENE GmbH and LLC - Guiding Precision Medicine
Classification: Pathogenic for Wilson disease. Review status: criteria provided, single submitter. Criteria: ACMG Guidelines, 2015. Collection method: clinical testing. Allele origin: germline. Affected: yes.

Counsyl
Classification: Likely pathogenic for Wilson's disease. Last evaluated: 2014-05-30. Review status: no assertion criteria provided. Collection method: literature only. Allele origin: unknown. Inheritance: Autosomal recessive inheritance. Not counted in ClinVar's aggregate classification.

Literature cited by the submitters: PubMed 7626145 (cited by 3 submitters); PubMed 23551039 (cited by 3 submitters); PubMed 31059521 (cited by Labcorp Genetics (formerly Invitae), Labcorp and 3billion); PubMed 20333758 (cited by 3 submitters); PubMed 39535360 (cited by Natera, Inc.); PubMed 36096368 (cited by Natera, Inc.); PubMed 24094725 (cited by Natera, Inc. and Counsyl); PubMed 32778786 (cited by Natera, Inc.); PubMed 16567646 (cited by Counsyl); PubMed 22692182 (cited by Counsyl); PubMed 22046264 (cited by Counsyl).